The following is an entry in ClinVar:

NM_021828.5(HPSE2):c.1351C>T (p.Leu451=)

Gene: HPSE2 (heparanase 2 (inactive); minus strand). Cytogenetic location: 10q24.2.
Variant type: single nucleotide variant.
Coding change: c.1351C>T on transcript NM_021828.5 (MANE Select); coding-DNA position 1351, C replaced by T.
Protein change: p.Leu451=; no amino-acid change (leucine 451 retained).
Molecular consequence: synonymous variant.
Genome position (GRCh38, 1-based): chr10:98,490,166, G>A on the plus strand (C>T on the coding strand, the complement: HPSE2 is on the minus strand). VCF-style: chr10-98490166-G-A. GRCh37 (hg19) VCF-style: chr10-100249923-G-A.
Other names: c.1177C>T, p.Leu393= (NM_001166244.1); c.1015C>T, p.Leu339= (NM_001166245.1); c.1351C>T, p.Leu451= (NM_001166246.1).
Identifiers: ClinVar variation 3344487 (VCV003344487.1).

ClinVar aggregate classification (germline): Likely benign (0 of 4 stars; one submission).

Conditions:
HPSE2-related disorder. Also called: HPSE2-related condition.

Submission:

PreventionGenetics, part of Exact Sciences
Classification: Likely benign for HPSE2-related condition. Last evaluated: 2024-07-02. Review status: no assertion criteria provided. Collection method: clinical testing. Allele origin: germline.
Comment: This variant is classified as likely benign based on ACMG/AMP sequence variant interpretation guidelines (Richards et al. 2015 PMID: 25741868, with internal and published modifications).